The following is an entry in ClinVar:

NM_177965.4(CFAP418):c.*1667T>C

Gene: CFAP418 (cilia and flagella associated protein 418; minus strand). Cytogenetic location: 8q22.1.
Variant type: single nucleotide variant.
Coding change: c.*1667T>C on transcript NM_177965.4 (MANE Select); 1667 bases downstream of the stop codon, T replaced by C.
Molecular consequence: 3 prime UTR variant.
Genome position (GRCh38, 1-based): chr8:95,245,950, A>G on the plus strand (T>C on the coding strand, the complement: CFAP418 is on the minus strand). VCF-style: chr8-95245950-A-G. GRCh37 (hg19) VCF-style: chr8-96258178-A-G.
Other names: c.*1667T>C (NM_001363260.1).
Identifiers: ClinVar variation 912405 (VCV000912405.5), dbSNP rs62522656, ClinGen allele CA182087946.

ClinVar aggregate classification (germline): Benign/Likely benign. Review status: criteria provided, multiple submitters, no conflicts (2 of 4 stars). 3 submissions from 2 submitters: Benign (1); Likely benign (2). Last evaluated 2018-01-13.

Conditions:
Cone-rod dystrophy 16 (CORD16). Identifiers: MedGen C3281045, MONDO:0013786, OMIM 614500.
Retinitis pigmentosa (RP). Identifiers: Orphanet 791, MedGen C0035334, MeSH D012174, MONDO:0019200, OMIM 268000. Inheritance: Autosomal dominant, autosomal recessive and X linked inheritance.

Allele frequency attached by ClinVar (database versions not stated): 1000 Genomes Project 0.02077; 1000 Genomes Project 30x 0.02202; gnomAD 0.03275 and 0.03418; TOPMed 0.03366.

Submissions (3):

Illumina Laboratory Services, Illumina
Classification: Benign for Cone-rod dystrophy 16. Last evaluated: 2018-01-13. Review status: criteria provided, single submitter. Criteria: ICSL Variant Classification Criteria 13 December 2019. Collection method: clinical testing. Allele origin: germline.
Comment: This variant was observed in the ICSL laboratory as part of a predisposition screen in an ostensibly healthy population. It had not been previously curated by ICSL or reported in the Human Gene Mutation Database (HGMD: prior to June 1st, 2018), and was therefore a candidate for classification through an automated scoring system. Utilizing variant allele frequency, disease prevalence and penetrance estimates, and inheritance mode, an automated score was calculated to assess if this variant is too frequent to cause the disease. Based on the score and internal cut-off values, a variant classified as benign is not then subjected to further curation. The score for this variant resulted in a classification of benign for this disease.

Illumina Laboratory Services, Illumina
Classification: Likely benign for Retinitis pigmentosa. Last evaluated: 2018-01-13. Review status: criteria provided, single submitter. Criteria: ICSL Variant Classification Criteria 13 December 2019. Collection method: clinical testing. Allele origin: germline.
Comment: This variant was observed in the ICSL laboratory as part of a predisposition screen in an ostensibly healthy population. It had not been previously curated by ICSL or reported in the Human Gene Mutation Database (HGMD: prior to June 1st, 2018), and was therefore a candidate for classification through an automated scoring system. Utilizing variant allele frequency, disease prevalence and penetrance estimates, and inheritance mode, an automated score was calculated to assess if this variant is too frequent to cause the disease. Based on the score and internal cut-off values, a variant classified as likely benign is not then subjected to further curation. The score for this variant resulted in a classification of likely benign for this disease.

Breakthrough Genomics
Classification: Likely benign. Review status: criteria provided, single submitter. Criteria: ACMG Guidelines, 2015. Collection method: not provided. Allele origin: germline. Inheritance: Unknown mechanism. Affected: yes.